The following is an entry in ClinVar:

ClinVar aggregate classification (germline): Uncertain significance. Review status: criteria provided, multiple submitters, no conflicts (2 of 4 stars). 2 submissions from 2 submitters: Uncertain significance (2). Last evaluated 2021-09-15.

Conditions:
RFT1-congenital disorder of glycosylation (CDG1N). Also called: CDG In; RFT1-CDG; Congenital disorder of glycosylation type In. Identifiers: Orphanet 244310, MedGen C2677590, MONDO:0012783, OMIM 612015.

Allele frequency attached by ClinVar (database versions not stated): TOPMed below 0.00001; gnomAD 0.00001.
gnomAD v4.1: 6 of 1,608,634 alleles (0.00037%); highest among the groups gnomAD compares: Non-Finnish European, 0.00043%; no homozygotes.

Submissions (2):

Labcorp Genetics (formerly Invitae), Labcorp
Classification: Uncertain significance for RFT1-congenital disorder of glycosylation. Last evaluated: 2021-09-15. Review status: criteria provided, single submitter. Criteria: Invitae Variant Classification Sherloc (09022015). Collection method: clinical testing. Allele origin: germline.
Comment: This sequence change falls in intron 5 of the RFT1 gene. It does not directly change the encoded amino acid sequence of the RFT1 protein. It affects a nucleotide within the consensus splice site of the intron. This variant is not present in population databases (ExAC no frequency). This variant has not been reported in the literature in individuals with RFT1-related conditions. ClinVar contains an entry for this variant (Variation ID: 346195). Nucleotide substitutions within the consensus splice site are a relatively common cause of aberrant splicing (PMID: 17576681, 9536098). Algorithms developed to predict the effect of sequence changes on RNA splicing suggest that this variant is not likely to affect RNA splicing, but this prediction has not been confirmed by published transcriptional studies. In summary, the available evidence is currently insufficient to determine the role of this variant in disease. Therefore, it has been classified as a Variant of Uncertain Significance.

Illumina Laboratory Services, Illumina
Classification: Uncertain significance for RFT1-congenital disorder of glycosylation. Last evaluated: 2018-01-13. Review status: criteria provided, single submitter. Criteria: ICSL Variant Classification Criteria 13 December 2019. Collection method: clinical testing. Allele origin: germline.

Literature cited by the submitters: PubMed 17576681 (cited by Labcorp Genetics (formerly Invitae), Labcorp); PubMed 9536098 (cited by Labcorp Genetics (formerly Invitae), Labcorp).

NM_052859.4(RFT1):c.558+6A>T

Gene: RFT1 (RFT1 glycolipid translocator homolog; minus strand). Cytogenetic location: 3p21.1.
Variant type: single nucleotide variant.
Coding change: c.558+6A>T on transcript NM_052859.4 (MANE Select); 6 bases into the intron after coding-DNA position 558, A replaced by T.
Molecular consequence: intron variant.
Genome position (GRCh38, 1-based): chr3:53,121,693, T>A on the plus strand (A>T on the coding strand, the complement: RFT1 is on the minus strand). VCF-style: chr3-53121693-T-A. GRCh37 (hg19) VCF-style: chr3-53155709-T-A.
Identifiers: ClinVar variation 346195 (VCV000346195.10), dbSNP rs886058726, ClinGen allele CA10619283.
Genomic context (GRCh38, chr3:53,121,693, plus strand): 5'-GAACAAGAAGAAAAACCAGTTGGAGAAACAAAGATCATATAAAAAGTTAAAAGCCATGAT[T>A]CTTACCTGGGCCAAAGAGAAAATGTACAATCCCCAGTGAGGCAACCACAGCACGAGAAAA-3'